The following is an entry in ClinVar:

NM_000170.3(GLDC):c.2368C>T (p.Arg790Trp)

Gene: GLDC (glycine decarboxylase; minus strand). Cytogenetic location: 9p24.1.
Variant type: single nucleotide variant.
Coding change: c.2368C>T on transcript NM_000170.3 (MANE Select); coding-DNA position 2368, C replaced by T.
Protein change: p.Arg790Trp; replaces arginine 790 with tryptophan.
Molecular consequence: missense variant.
Genome position (GRCh38, 1-based): chr9:6,553,457, G>A on the plus strand (C>T on the coding strand, the complement: GLDC is on the minus strand). VCF-style: chr9-6553457-G-A. GRCh37 (hg19) VCF-style: chr9-6553457-G-A.
Other names: short protein forms R790W.
Identifiers: ClinVar variation 56075 (VCV000056075.20), dbSNP rs386833556, ClinGen allele CA263366.

ClinVar aggregate classification (germline): Conflicting classifications of pathogenicity. Review status: criteria provided, conflicting classifications (1 of 4 stars). 7 submissions from 7 submitters: Pathogenic (5); Uncertain significance (1). 1 of the submissions does not count toward it. Last evaluated 2025-08-12.

Conditions:
Glycine encephalopathy 1 (GCE1). Identifiers: MedGen CN376801, MONDO:0958179, OMIM 605899.
Glycine encephalopathy. Also called: Nonketotic hyperglycinemia; Non-ketotic hyperglycinemia. Identifiers: Orphanet 407, MedGen C0751748, MONDO:0011612, HP:0008288.

Allele frequency attached by ClinVar (database versions not stated): gnomAD exomes below 0.00001 and 0.00001; ExAC 0.00001.
gnomAD v4.1: 5 of 1,613,458 alleles (0.00031%); highest among the groups gnomAD compares: East Asian, 0.0022%; no homozygotes.

Submissions (7):

Natera, Inc.
Classification: Pathogenic for Non-ketotic hyperglycinemia. Last evaluated: 2025-08-12. Review status: criteria provided, single submitter. Criteria: Natera Variant Classification Schema (03/2026). Collection method: clinical testing. Allele origin: germline.
Comment: The c.2368C>T variant in GLDC is a missense variant predicted to cause substitution of arginine to tryptophan at amino acid 790. This variant is rare in the general population with a frequency below the threshold expected for the associated phenotype(s). This variant has been observed in one or more individuals affected with the associated recessive disease, as either homozygous or compound heterozygous with a second variant (PMID: 27362913). Given the available evidence, this variant is classified as Pathogenic.

Revvity Omics, Revvity
Classification: Pathogenic for Glycine encephalopathy 1. Last evaluated: 2025-02-18. Review status: criteria provided, single submitter. Criteria: ACMG Guidelines, 2015. Collection method: clinical testing. Allele origin: germline.

Women's Health and Genetics/Laboratory Corporation of America, LabCorp
Classification: Pathogenic for Glycine encephalopathy. Last evaluated: 2023-11-01. Review status: criteria provided, single submitter. Criteria: LabCorp Variant Classification Summary - May 2015. Collection method: clinical testing. Allele origin: germline.
Comment: Variant summary: GLDC c.2368C>T (p.Arg790Trp) results in a non-conservative amino acid change in the encoded protein sequence. Four of five in-silico tools predict a damaging effect of the variant on protein function. The variant allele was found at a frequency of 8e-06 in 251484 control chromosomes (gnomAD). The available data on variant occurrences in the general population are insufficient to allow any conclusion about variant significance. c.2368C>T has been reported in the literature in multiple homozygous and compound heterozygous individuals affected with Glycine Encephalopathy (Non-Ketotic Hyperglycinemia) (e.g., Kure_2004, Bravo-Alonso_2017, Coughlin_2019). These data indicate that the variant is very likely to be associated with disease. At least two publications report experimental evidence evaluating an impact on protein function, finding that the variant resulted in approximately 15% of normal activity (e.g., Kure_2004, Bravo-Alonso_2017). The following publications have been ascertained in the context of this evaluation (PMID: 28244183, 27362913, 15192636). Three submitters have reported clinical-significance assessments for this variant to ClinVar after 2014. Two submitters classified the variant as pathogenic, and one submitter classified the variant as uncertain significance. Based on the evidence outlined above, the variant was classified as pathogenic.

Labcorp Genetics (formerly Invitae), Labcorp
Classification: Pathogenic for Glycine encephalopathy. Last evaluated: 2023-04-20. Review status: criteria provided, single submitter. Criteria: Invitae Variant Classification Sherloc (09022015). Collection method: clinical testing. Allele origin: germline.
Comment: Advanced modeling of protein sequence and biophysical properties (such as structural, functional, and spatial information, amino acid conservation, physicochemical variation, residue mobility, and thermodynamic stability) performed at Invitae indicates that this missense variant is not expected to disrupt GLDC protein function. ClinVar contains an entry for this variant (Variation ID: 56075). This missense change has been observed in individual(s) with glycine encephalopathy (nonketotic hyperglycinemia) (PMID: 15192636, 16450403, 27362913, 28244183). In at least one individual the data is consistent with being in trans (on the opposite chromosome) from a pathogenic variant. This variant is present in population databases (rs386833556, gnomAD 0.002%). This sequence change replaces arginine, which is basic and polar, with tryptophan, which is neutral and slightly polar, at codon 790 of the GLDC protein (p.Arg790Trp). Experimental studies have shown that this missense change affects GLDC function (PMID: 15192636, 28244183). For these reasons, this variant has been classified as Pathogenic.

Victorian Clinical Genetics Services, Murdoch Childrens Research Institute
Classification: Pathogenic for Glycine encephalopathy 1. Last evaluated: 2022-02-02. Review status: criteria provided, single submitter. Criteria: ACMG Guidelines, 2015. Collection method: clinical testing. Allele origin: germline. Inheritance: Autosomal recessive inheritance. Affected: yes.
Comment: Based on the classification scheme VCGS_Germline_v1.3.4, this variant is classified as Pathogenic. Following criteria are met: 0102 - Loss of function is a known mechanism of disease in this gene and is associated with glycine encephalopathy (MIM#605899). (I) 0106 - This gene is associated with autosomal recessive disease. (I) 0200 - Variant is predicted to result in a missense amino acid change from arginine to tryptophan. (I) 0251 - This variant is heterozygous. (I) 0304 - Variant is present in gnomAD <0.01 for a recessive condition (v2: 3 heterozygotes, 0 homozygotes). (SP) 0309 - Multiple alternative amino acid changes at the same position have been observed in gnomAD (v2) (highest allele count: 8 heterozygotes, 0 homozygotes). (I) 0502 - Missense variant with conflicting in silico predictions and uninformative conservation. (I) 0604 - Variant is not located in an established domain, motif, hotspot or informative constraint region. (I) 0705 - No comparable missense variants have previous evidence for pathogenicity. p.(Arg790Gln) has been reported in a control individual and zygosity is unclear (PMID: 29232014). (I) 0801 - This variant has strong previous evidence of pathogenicity in unrelated individuals. It has been reported in multiple homozygote and compound heterozygote individuals with nonketotic hyperglycinemia also known as glycine encephalopathy (ClinVar, PMIDs: 28244183, 27362913, 15192636). (SP) 1002 - This variant has moderate functional evidence supporting abnormal protein function. Studies have shown mutant results in reduced enzyme activity of around 15% compared to the wild-type (PMIDs: 28244183, 15192636). (SP) 1102 - Strong phenotype match for this individual. (I) Legend: (SP) - Supporting pathogenic, (I) - Information, (SB) - Supporting benign

Genomic Research Center, Shahid Beheshti University of Medical Sciences
Classification: Uncertain significance for Non-ketotic hyperglycinemia. Last evaluated: 2018-08-07. Review status: criteria provided, single submitter. Criteria: ACMG Guidelines, 2015. Collection method: clinical testing. Allele origin: inherited. Affected: yes. Observed: 1 variant allele.

Juha Muilu Group; Institute for Molecular Medicine Finland (FIMM)
Classification: Likely pathogenic for Non-ketotic hyperglycinemia. Review status: no assertion criteria provided. Collection method: not provided. Allele origin: unknown. Not counted in ClinVar's aggregate classification.
Comment: FinDis database variant: This variant was not found or characterized by our laboratory, data were collected from public sources: see reference
ClinVar note: Converted during submission from probable-pathogenic to Likely pathogenic.

Literature cited by the submitters: PubMed 27362913 (cited by 4 submitters); PubMed 28244183 (cited by 3 submitters); PubMed 15192636 (cited by 3 submitters); PubMed 16450403 (cited by Labcorp Genetics (formerly Invitae), Labcorp); PubMed 29232014 (cited by Victorian Clinical Genetics Services, Murdoch Childrens Research Institute).